The following is an entry in ClinVar:

NM_004104.5(FASN):c.5705A>G (p.Gln1902Arg)

Gene: FASN (fatty acid synthase; minus strand). Cytogenetic location: 17q25.3.
Variant type: single nucleotide variant.
Coding change: c.5705A>G on transcript NM_004104.5 (MANE Select); coding-DNA position 5705, A replaced by G.
Protein change: p.Gln1902Arg; replaces glutamine 1902 with arginine.
Molecular consequence: missense variant.
Genome position (GRCh38, 1-based): chr17:82,082,976, T>C on the plus strand (A>G on the coding strand, the complement: FASN is on the minus strand). VCF-style: chr17-82082976-T-C. GRCh37 (hg19) VCF-style: chr17-80040852-T-C.
Other names: short protein forms Q1902R.
Identifiers: ClinVar variation 3711941 (VCV003711941.2).
Genomic context (GRCh38, chr17:82,082,976, plus strand): 5'-GTCCGGATCCCGGAGCGAGAAGTCAACACGAGCTTCTGCACCCCACGCTGTATCAGCCAC[T>C]GCGCCAACTCCAGGCCGAAGCCACCCAGACCACCAGCGATGATGTAGCTCTTGTGGGCCG-3'
Protein context (NP_004095.4, residues 1892-1912): GLGGFGLELA[Gln1902Arg]WLIQRGVQKL

ClinVar aggregate classification (germline): Uncertain significance (1 of 4 stars; one submission).

Conditions:
Epileptic encephalopathy. Identifiers: MedGen C0543888, HP:0200134.

gnomAD v4.1: 2 of 1,612,776 alleles (0.00012%); highest among the groups gnomAD compares: African/African-American, 0.0013%; no homozygotes.

Submission:

Labcorp Genetics (formerly Invitae), Labcorp
Classification: Uncertain significance for Epileptic encephalopathy. Last evaluated: 2024-12-08. Review status: criteria provided, single submitter. Criteria: Invitae Variant Classification Sherloc (09022015). Collection method: clinical testing. Allele origin: germline.
Comment: This sequence change replaces glutamine, which is neutral and polar, with arginine, which is basic and polar, at codon 1902 of the FASN protein (p.Gln1902Arg). This variant is not present in population databases (gnomAD no frequency). This variant has not been reported in the literature in individuals affected with FASN-related conditions. An algorithm developed to predict the effect of missense changes on protein structure and function outputs the following: PolyPhen-2: "Benign". The arginine amino acid residue is found in multiple mammalian species, which suggests that this missense change does not adversely affect protein function. In summary, the available evidence is currently insufficient to determine the role of this variant in disease. Therefore, it has been classified as a Variant of Uncertain Significance.